The following is an entry in ClinVar:

NM_000257.4(MYH7):c.4665G>A (p.Glu1555=)

Genes: MHRT (myosin heavy chain associated RNA transcript; plus strand), MYH7 (myosin heavy chain 7; minus strand), LOC126861897 (BRD4-independent group 4 enhancer GRCh37_chr14:23884455-23885654; plus strand). Cytogenetic location: 14q11.2.
Variant type: single nucleotide variant.
Coding change: c.4665G>A on transcript NM_000257.4 (MANE Select); coding-DNA position 4665, G replaced by A.
Protein change: p.Glu1555=; no amino-acid change (glutamic acid 1555 retained).
Molecular consequence: synonymous variant. On other transcripts: non-coding transcript variant (1).
Genome position (GRCh38, 1-based): chr14:23,416,292, C>T on the plus strand (G>A on the coding strand, the complement: MYH7 is on the minus strand). VCF-style: chr14-23416292-C-T. GRCh37 (hg19) VCF-style: chr14-23885501-C-T.
Identifiers: ClinVar variation 921050 (VCV000921050.12), dbSNP rs1892207214, ClinGen allele CA485766473.

ClinVar aggregate classification (germline): Likely benign. Review status: criteria provided, multiple submitters, no conflicts (2 of 4 stars). 3 submissions from 3 submitters: Likely benign (3). Last evaluated 2024-02-19.

Conditions:
Cardiomyopathy (CMYO). Also called: Cardiomyopathies. Identifiers: Orphanet 167848, MedGen C0878544, MONDO:0004994, HP:0001638. Inheritance: Various modes of inheritance.
Hypertrophic cardiomyopathy. Also called: HYPERTROPHIC MYOCARDIOPATHY. Identifiers: Orphanet 217569, MedGen C0007194, MeSH D002312, MONDO:0005045, HP:0001639.

Submissions (3):

Labcorp Genetics (formerly Invitae), Labcorp
Classification: Likely benign for Hypertrophic cardiomyopathy. Last evaluated: 2024-02-19. Review status: criteria provided, single submitter. Criteria: Invitae Variant Classification Sherloc (09022015). Collection method: clinical testing. Allele origin: germline.

All of Us Research Program, National Institutes of Health
Classification: Likely benign for Cardiomyopathy. Last evaluated: 2023-05-04. Review status: criteria provided, single submitter. Criteria: ACMG Guidelines, 2015. Collection method: clinical testing. Allele origin: germline. Inheritance: Autosomal dominant inheritance. Observed: 1 variant allele, 1 heterozygote.
Comment: This study involves interpretation of variants in research participants for the purpose of population health screening. Participant phenotype was not available at the time of variant classification. Additional details can be found in publication PMID: 35346344, PMCID: PMC8962531

Color Diagnostics, LLC DBA Color Health
Classification: Likely benign for Cardiomyopathy. Last evaluated: 2019-06-13. Review status: criteria provided, single submitter. Criteria: ACMG Guidelines, 2015. Collection method: clinical testing. Allele origin: germline.